The following is an entry in ClinVar:

NM_007357.3(COG2):c.701dup (p.Tyr234Ter)

Gene: COG2 (component of oligomeric golgi complex 2; plus strand). Cytogenetic location: 1q42.2.
Variant type: Duplication.
Coding change: c.701dup on transcript NM_007357.3 (MANE Select); coding-DNA position 701, one base duplicated (A; older notation c.701dupA).
Protein change: p.Tyr234Ter; replaces tyrosine 234 with a stop codon.
Molecular consequence: nonsense.
Genome position (GRCh38, 1-based): chr1:230,669,462, A duplicated. VCF-style (leftmost placement, unchanged base first): chr1-230669461-T-TA. GRCh37 (hg19) VCF-style: chr1-230805207-T-TA.
Other names: c.701dup, p.Tyr234Ter (NM_001145036.2); short protein forms Y234*.
Identifiers: ClinVar variation 417770 (VCV000417770.1), dbSNP rs1085307116, ClinGen allele CA645293933.

ClinVar aggregate classification (germline): no classifications from unflagged records (0 of 4 stars; one submission).

Conditions:
Congenital disorder of glycosylation, type IIq. Also called: CDG IIq. Identifiers: Orphanet 435934, MedGen C4479353, MONDO:0054559, OMIM 617395.

Allele frequency attached by ClinVar (database versions not stated): gnomAD exomes below 0.00001.

Submission:

OMIM
Classification: Pathogenic for CONGENITAL DISORDER OF GLYCOSYLATION, TYPE IIq (1 patient). Last evaluated: 2017-03-26. Review status: flagged submission. Collection method: literature only. Allele origin: germline.
ClinVar note: Notes: Flagging candidate with reason of insufficient supporting evidence. This gene has been classified as having a limited gene-disease relationship by a ClinGen Expert Panel.
ClinVar note: Reason: P/LP classification for a variant in a gene with insufficient evidence for a gene-disease relationship

Literature cited by the submitters: PubMed 24784932.